The following is an entry in ClinVar:

NM_015205.3(ATP11A):c.1439C>T (p.Thr480Ile)

Gene: ATP11A (ATPase phospholipid transporting 11A; plus strand). Cytogenetic location: 13q34.
Variant type: single nucleotide variant.
Coding change: c.1439C>T on transcript NM_015205.3 (MANE Select); coding-DNA position 1439, C replaced by T.
Protein change: p.Thr480Ile; replaces threonine 480 with isoleucine.
Molecular consequence: missense variant.
Genome position (GRCh38, 1-based): chr13:112,832,903, C>T. VCF-style: chr13-112832903-C-T. GRCh37 (hg19) VCF-style: chr13-113487217-C-T.
Other names: c.1439C>T, p.Thr480Ile (NM_001405661.1, NM_001405662.1, NM_001405663.1 and 1 more transcripts); c.1439C>T (NM_032189.3); short protein forms T480I.
Identifiers: ClinVar variation 4882882 (VCV004882882.3).
Genomic context (GRCh38, chr13:112,832,903, plus strand): 5'-GAACTGCTTTTTTATAGGAGCGCGAGGAGCTGTTTTTCCGGGCCCTCTGTCTCTGCCACA[C>T]CGTCCAGGTGAAAGACGATGACAGCGTAGACGGCCCCAGGAAATCGCCGGACGGGGGGAA-3'
Protein context (NP_056020.2, residues 470-490): LFFRALCLCH[Thr480Ile]VQVKDDDSVD

ClinVar aggregate classification (germline): Uncertain significance. Review status: criteria provided, multiple submitters, no conflicts (2 of 4 stars). 2 submissions from 2 submitters: Uncertain significance (2). Last evaluated 2026-07-28.

Conditions:
ATP11A-related disorder. Also called: ATP11A-related condition.

gnomAD v4.1: 5 of 1,614,004 alleles (0.00031%); highest among the groups gnomAD compares: Non-Finnish European, 0.00042%; no homozygotes.

Submissions (2):

PreventionGenetics, part of Exact Sciences
Classification: Uncertain significance for ATP11A-related condition. Last evaluated: 2026-07-28. Review status: criteria provided, single submitter. Criteria: ACMG Guidelines, 2015. Collection method: clinical testing. Allele origin: germline.
Comment: The ATP11A c.1439C>T variant is predicted to result in the amino acid substitution p.Thr480Ile. To our knowledge, this variant has not been reported in the literature or in a large population database (gnomAD), indicating this variant is rare. At this time, the clinical significance of this variant is uncertain due to the absence of conclusive functional and genetic evidence.

Dasa
Classification: Uncertain significance. Last evaluated: 2025-02-25. Review status: criteria provided, single submitter. Criteria: DASA Assertion Criteria. Collection method: clinical testing. Allele origin: germline.
Comment: NM_015205.3(ATP11A):c.1439C>T (p.Thr480Ile) is a missense variant that results in the substitution of threonine with isoleucine. This variant is rare in population databases. Computational prediction algorithms are consistent with a deleterious effect. The currently available literature and clinical evidence are not sufficient to establish a definitive association between this variant and the reported condition. Therefore, this variant is classified as a variant of uncertain significance.